The following is an entry in ClinVar:

ClinVar aggregate classification (germline): Likely benign. Review status: criteria provided, multiple submitters, no conflicts (2 of 4 stars). 2 submissions from 2 submitters: Likely benign (2). Last evaluated 2026-02-01.

Allele frequency attached by ClinVar (database versions not stated): 1000 Genomes Project 0.00220; 1000 Genomes Project 30x 0.00234; TOPMed 0.00451; gnomAD 0.00461; ExAC 0.00486; ESP Exome Variant Server 0.00498; gnomAD exomes 0.00568.
gnomAD v4.1: 8,830 of 1,596,954 alleles (0.55%); highest among the groups gnomAD compares: Non-Finnish European, 0.67%; 29 homozygotes.

Submissions (2):

CeGaT Center for Human Genetics Tuebingen
Classification: Likely benign. Last evaluated: 2026-02-01. Review status: criteria provided, single submitter. Criteria: CeGaT Center For Human Genetics Tuebingen Variant Classification Criteria Version 2. Collection method: clinical testing. Allele origin: germline. Affected: yes. Observed: 13 variant alleles.
Comment: HYDIN: BP4, BP7, BS2

Blueprint Genetics
Classification: Likely benign. Last evaluated: 2024-11-26. Review status: criteria provided, single submitter. Criteria: ACMG Guidelines, 2015. Collection method: clinical testing. Allele origin: germline.

NM_001270974.2(HYDIN):c.9243G>A (p.Ala3081=)

Gene: HYDIN (HYDIN axonemal central pair apparatus protein; minus strand). Cytogenetic location: 16q22.2.
Variant type: single nucleotide variant.
Coding change: c.9243G>A on transcript NM_001270974.2 (MANE Select); coding-DNA position 9243, G replaced by A.
Protein change: p.Ala3081=; no amino-acid change (alanine 3081 retained).
Molecular consequence: synonymous variant.
Genome position (GRCh38, 1-based): chr16:70,894,454, C>T on the plus strand (G>A on the coding strand, the complement: HYDIN is on the minus strand). VCF-style: chr16-70894454-C-T. GRCh37 (hg19) VCF-style: chr16-70928357-C-T.
Identifiers: ClinVar variation 2646727 (VCV002646727.25), dbSNP rs201241516, ClinGen allele CA8149570.